The following is an entry in ClinVar:

ClinVar aggregate classification (germline): Uncertain significance. Review status: criteria provided, multiple submitters, no conflicts (2 of 4 stars). 2 submissions from 2 submitters: Uncertain significance (2). Last evaluated 2025-09-12.

Conditions:
Wolman disease (WOLD). Also called: LYSOSOMAL ACID LIPASE DEFICIENCY, ACUTE INFANTILE; LYSOSOMAL ACID LIPASE DEFICIENCY, COMPLETE; LIPA DEFICIENCY, COMPLETE; LAL DEFICIENCY, COMPLETE; CHOLESTEROL ESTER HYDROLASE DEFICIENCY, COMPLETE; Wolman disease, CESD. Identifiers: Orphanet 75233, MedGen C0043208, MONDO:0019148, OMIM 620151.
LIPA-related disorder. Also called: LIPA-related condition; LIPA-related disorders.

gnomAD v4.1: 3 of 1,604,618 alleles (0.00019%); highest among the groups gnomAD compares: Non-Finnish European, 0.00017%; no homozygotes.

Submissions (2):

PreventionGenetics, part of Exact Sciences
Classification: Uncertain significance for LIPA-related condition. Last evaluated: 2025-09-12. Review status: criteria provided, single submitter. Criteria: ACMG Guidelines, 2015. Collection method: clinical testing. Allele origin: germline.
Comment: The LIPA c.158T>A variant is predicted to result in the amino acid substitution p.Val53Asp. To our knowledge, this variant has not been reported in the literature or in a large population database (gnomAD), indicating this variant is rare. At this time, the clinical significance of this variant is uncertain due to the absence of conclusive functional and genetic evidence.

Labcorp Genetics (formerly Invitae), Labcorp
Classification: Uncertain significance for Wolman disease. Last evaluated: 2024-03-19. Review status: criteria provided, single submitter. Criteria: Invitae Variant Classification Sherloc (09022015). Collection method: clinical testing. Allele origin: germline.
Comment: This sequence change replaces valine, which is neutral and non-polar, with aspartic acid, which is acidic and polar, at codon 53 of the LIPA protein (p.Val53Asp). This variant is not present in population databases (gnomAD no frequency). This missense change has been observed in individual(s) with clinical features of lysosomal acid lipase (LAL) deficiency (Invitae). Advanced modeling of protein sequence and biophysical properties (such as structural, functional, and spatial information, amino acid conservation, physicochemical variation, residue mobility, and thermodynamic stability) performed at Invitae indicates that this missense variant is expected to disrupt LIPA protein function with a positive predictive value of 80%. In summary, the available evidence is currently insufficient to determine the role of this variant in disease. Therefore, it has been classified as a Variant of Uncertain Significance.

NM_000235.4(LIPA):c.158T>A (p.Val53Asp)

Gene: LIPA (lipase A, lysosomal acid type; minus strand). Cytogenetic location: 10q23.31.
Variant type: single nucleotide variant.
Coding change: c.158T>A on transcript NM_000235.4 (MANE Select); coding-DNA position 158, T replaced by A.
Protein change: p.Val53Asp; replaces valine 53 with aspartic acid.
Molecular consequence: missense variant. On other transcripts: intron variant (1).
Genome position (GRCh38, 1-based): chr10:89,245,747, A>T on the plus strand (T>A on the coding strand, the complement: LIPA is on the minus strand). VCF-style: chr10-89245747-A-T. GRCh37 (hg19) VCF-style: chr10-91005504-A-T.
Other names: c.158T>A, p.Val53Asp (NM_001127605.3); c.-120+5990T>A (NM_001288979.2); c.158T>A (NM_000235.3); short protein forms V53D.
Identifiers: ClinVar variation 2899491 (VCV002899491.4), dbSNP rs749625288, ClinGen allele CA377518327.